The following is an entry in ClinVar:

ClinVar aggregate classification (germline): Likely benign (1 of 4 stars; one submission).

Allele frequency attached by ClinVar (database versions not stated): 1000 Genomes Project 0.00379; 1000 Genomes Project 30x 0.00390; ESP Exome Variant Server 0.00561; TOPMed 0.00574; ExAC 0.00612; gnomAD 0.00655; gnomAD exomes 0.00894.
gnomAD v4.1: 13,979 of 1,613,828 alleles (0.87%); highest among the groups gnomAD compares: Non-Finnish European, 1%; 79 homozygotes.

Submission:

CeGaT Center for Human Genetics Tuebingen
Classification: Likely benign. Last evaluated: 2023-02-01. Review status: criteria provided, single submitter. Criteria: CeGaT Center For Human Genetics Tuebingen Variant Classification Criteria Version 2. Collection method: clinical testing. Allele origin: germline. Affected: yes. Observed: 1 variant allele.
Comment: UBXN1: BS2

NM_001286077.2(UBXN1):c.745G>C (p.Glu249Gln)

Gene: UBXN1 (UBX domain protein 1; minus strand). Cytogenetic location: 11q12.3.
Variant type: single nucleotide variant.
Coding change: c.745G>C on transcript NM_001286077.2 (MANE Select); coding-DNA position 745, G replaced by C.
Protein change: p.Glu249Gln; replaces glutamic acid 249 with glutamine.
Molecular consequence: missense variant.
Genome position (GRCh38, 1-based): chr11:62,676,912, C>G on the plus strand (G>C on the coding strand, the complement: UBXN1 is on the minus strand). VCF-style: chr11-62676912-C-G. GRCh37 (hg19) VCF-style: chr11-62444384-C-G.
Other names: c.568G>C, p.Glu190Gln (NM_001286078.2); c.745G>C, p.Glu249Gln (NM_015853.5); short protein forms E190Q, E249Q.
Identifiers: ClinVar variation 2641889 (VCV002641889.24), dbSNP rs111325595, ClinGen allele CA6052684.
Genomic context (GRCh38, chr11:62,676,912, plus strand): 5'-AGGCCCGTCTGGGGAAGCCACTGAGCAATTGCACAGGGTCCTGGCCCCCACCTAGTTCCT[C>G]CCCACGGTGGAGCTCCACATAGAGCCTCACAGCTGCCAGCTGTTCCCGGGCCCGGAACGT-3'
Protein context (NP_001273006.1, residues 239-259): VRLYVELHRG[Glu249Gln]ELGGGQDPVQ